The following is an entry in ClinVar:

NM_004409.5(DMPK):c.*224CTG[142]

Genes: DM1-AS (DM1 locus antisense RNA; plus strand), DMPK (DM1 protein kinase; minus strand), LOC109461477 (dystrophia myotonica protein kinase repeat instability region; plus strand), LOC107075317 (origin of replication in DMPK trinucleotide repeat region; plus strand). Cytogenetic location: 19q13.32.
Variant type: Microsatellite.
Coding change: c.*224CTG[142] on transcript NM_004409.5 (MANE Select); 142 copies in a row of the 3-base unit CTG starting at c.*224.
Molecular consequence: 3 prime UTR variant.
Genome position: GRCh38, VCF-style position (the base before the change): chr19:45,770,204. GRCh37 (hg19), VCF-style position (the base before the change): chr19:46,273,462.
Other names: DM1 CTG repeat expansion; c.*224CTG[142] (NM_001081560.3, NM_001288764.2, NM_001424165.1 and 1 more transcripts); c.*217CTG[142] (NM_001081562.3, NM_001288765.2, NM_001424162.1 and 2 more transcripts); c.*222_*224TGC[142] (NM_001081563.3); c.*369CTG[142] (NM_001288766.2, NM_001424164.1, NM_001424168.1).
Identifiers: ClinVar variation 187923 (VCV000187923.1), ClinGen allele CA915951720.

ClinVar aggregate classification (germline): Pathogenic (0 of 4 stars; one submission).

Conditions:
Steinert myotonic dystrophy syndrome (DM1). Also called: STEINERT DISEASE; Myotonic dystrophy type 1; Dystrophia myotonica type 1; Steinert myotonic dystrophy; Steinert's disease. Identifiers: Orphanet 273, MedGen C3250443, MONDO:0008056, OMIM 160900.

Submission:

Institute of Molecular, Cell and Systems Biology, University of Glasgow
Classification: Pathogenic for Steinert myotonic dystrophy syndrome. Review status: no assertion criteria provided. Criteria: research. Collection method: research. Allele origin: germline. Inheritance: Autosomal dominant inheritance. Affected: yes. Observed: 1 heterozygote.
Comment: DMPK CTG repeat expansions greater than approximately 45-50 repeats are assumed to be pathogenic

This record is based on data published in PubMed 25052313, which reports only ClinVar accessions SCV000120188 and SCV000120189. The complete data set includes SCV000207445 - SCV000207579.

Literature cited by the submitters: PubMed 1346923; PubMed 1546326; PubMed 25052313.